The following is an entry in ClinVar:

ClinVar aggregate classification (germline): Uncertain significance (1 of 4 stars; one submission).

Conditions:
Inborn genetic diseases. Identifiers: MedGen C0950123, MeSH D030342.

Submission:

Ambry Genetics
Classification: Uncertain significance for Inborn genetic diseases. Last evaluated: 2026-08-27. Review status: criteria provided, single submitter. Criteria: Ambry Variant Classification Scheme 2023. Collection method: clinical testing. Allele origin: germline.
Comment: The p.R263T variant (also known as c.788G>C), located in coding exon 5 of the RECQL4 gene, results from a G to C substitution at nucleotide position 788. The arginine at codon 263 is replaced by threonine, an amino acid with similar properties. This amino acid position is conserved. In addition, this alteration is predicted to be tolerated by in silico analysis. Based on the available evidence, the clinical significance of this variant remains unclear.

NM_004260.4(RECQL4):c.788G>C (p.Arg263Thr)

Gene: RECQL4 (RecQ like helicase 4; minus strand). Cytogenetic location: 8q24.3.
Variant type: single nucleotide variant.
Coding change: c.788G>C on transcript NM_004260.4 (MANE Select); coding-DNA position 788, G replaced by C.
Protein change: p.Arg263Thr; replaces arginine 263 with threonine.
Molecular consequence: missense variant. On other transcripts: 5 prime UTR variant (17), non-coding transcript variant (3).
Genome position (GRCh38, 1-based): chr8:144,516,331, C>G on the plus strand (G>C on the coding strand, the complement: RECQL4 is on the minus strand). VCF-style: chr8-144516331-C-G. GRCh37 (hg19) VCF-style: chr8-145741715-C-G.
Other names: c.788G>C, p.Arg263Thr (NM_001413017.1, NM_001413018.1, NM_001413019.1 and 4 more transcripts); c.-284G>C (NM_001413021.1, NM_001413022.1, NM_001413023.1 and 7 more transcripts); c.659G>C, p.Arg220Thr (NM_001413025.1); c.-346G>C (NM_001413027.1, NM_001413030.1, NM_001413031.1 and 2 more transcripts); c.437G>C, p.Arg146Thr (NM_001413029.1); c.-188G>C (NM_001413034.1); c.-553G>C (NM_001413043.1); short protein forms R146T, R263T, R220T.
Identifiers: ClinVar variation 5028113 (VCV005028113.1).